The following is an entry in ClinVar:

NM_001320752.2(STS):c.513T>G (p.Ser171Arg)

Gene: STS (steroid sulfatase; plus strand). Cytogenetic location: Xp22.31.
Variant type: single nucleotide variant.
Coding change: c.513T>G on transcript NM_001320752.2 (MANE Select); coding-DNA position 513, T replaced by G.
Protein change: p.Ser171Arg; replaces serine 171 with arginine.
Molecular consequence: missense variant.
Genome position (GRCh38, 1-based): chrX:7,259,479, T>G. VCF-style: chrX-7259479-T-G. GRCh37 (hg19) VCF-style: chrX-7177520-T-G.
Other names: c.513T>G, p.Ser171Arg (NM_000351.7, NM_001320753.2, NM_001320754.2); c.549T>G, p.Ser183Arg (NM_001320750.3, NM_001320751.2); short protein forms S171R, S183R.
Identifiers: ClinVar variation 3342330 (VCV003342330.1).

ClinVar aggregate classification (germline): Uncertain significance (1 of 4 stars; one submission).

Submission:

GeneDx
Classification: Uncertain significance. Last evaluated: 2024-02-13. Review status: criteria provided, single submitter. Criteria: GeneDx Variant Classification Process June 2021. Collection method: clinical testing. Allele origin: germline. Affected: yes.
Comment: Has not been previously published as pathogenic or benign to our knowledge; Not observed at significant frequency in large population cohorts (gnomAD); In silico analysis supports that this missense variant has a deleterious effect on protein structure/function